The following is an entry in ClinVar:

NM_004260.4(RECQL4):c.1834C>T (p.Gln612Ter)

Gene: RECQL4 (RecQ like helicase 4; minus strand). Cytogenetic location: 8q24.3.
Variant type: single nucleotide variant.
Coding change: c.1834C>T on transcript NM_004260.4 (MANE Select); coding-DNA position 1834, C replaced by T.
Protein change: p.Gln612Ter; replaces glutamine 612 with a stop codon.
Molecular consequence: nonsense.
Genome position (GRCh38, 1-based): chr8:144,514,233, G>A on the plus strand (C>T on the coding strand, the complement: RECQL4 is on the minus strand). VCF-style: chr8-144514233-G-A. GRCh37 (hg19) VCF-style: chr8-145739617-G-A.
Other names: short protein forms Q612*.
Identifiers: ClinVar variation 528933 (VCV000528933.5), dbSNP rs1554899728, ClinGen allele CA372680734.

ClinVar aggregate classification (germline): Pathogenic (1 of 4 stars; one submission).

Conditions:
Baller-Gerold syndrome (BGS). Also called: CRANIOSYNOSTOSIS WITH RADIAL DEFECTS. Identifiers: Orphanet 1225, MedGen C0265308, MONDO:0009039, OMIM 218600.

Allele frequency attached by ClinVar (database versions not stated): gnomAD exomes below 0.00001.
gnomAD v4.1: 2 of 1,612,362 alleles (0.00012%); highest among the groups gnomAD compares: South Asian, 0.0011%; no homozygotes.

Submission:

Labcorp Genetics (formerly Invitae), Labcorp
Classification: Pathogenic for Baller-Gerold syndrome. Last evaluated: 2023-05-31. Review status: criteria provided, single submitter. Criteria: Invitae Variant Classification Sherloc (09022015). Collection method: clinical testing. Allele origin: germline.
Comment: Algorithms developed to predict the effect of sequence changes on RNA splicing suggest that this variant may create or strengthen a splice site. ClinVar contains an entry for this variant (Variation ID: 528933). This variant has not been reported in the literature in individuals affected with RECQL4-related conditions. This variant is not present in population databases (gnomAD no frequency). This sequence change creates a premature translational stop signal (p.Gln612*) in the RECQL4 gene. It is expected to result in an absent or disrupted protein product. Loss-of-function variants in RECQL4 are known to be pathogenic (PMID: 12734318, 12952869). For these reasons, this variant has been classified as Pathogenic.

Literature cited by the submitters: PubMed 12734318; PubMed 12952869.